The following is an entry in ClinVar:

NM_004360.5(CDH1):c.1008+3C>T

Gene: CDH1 (cadherin 1; plus strand). Cytogenetic location: 16q22.1.
Variant type: single nucleotide variant.
Coding change: c.1008+3C>T on transcript NM_004360.5 (MANE Select); 3 bases into the intron after coding-DNA position 1008, C replaced by T.
Molecular consequence: intron variant.
Genome position (GRCh38, 1-based): chr16:68,811,862, C>T. VCF-style: chr16-68811862-C-T. GRCh37 (hg19) VCF-style: chr16-68845765-C-T.
Other names: c.-608+3C>T (NM_001317185.2); c.-812+3C>T (NM_001317186.2); c.1008+3C>T (NM_001317184.2).
Identifiers: ClinVar variation 2029188 (VCV002029188.4), dbSNP rs2152132174, ClinGen allele CA2580091861.

ClinVar aggregate classification (germline): Uncertain significance (1 of 4 stars; one submission).

Conditions:
Hereditary diffuse gastric adenocarcinoma (HDGC). Also called: DIFFUSE GASTRIC AND LOBULAR BREAST CANCER SYNDROME. Identifiers: Orphanet 26106, MedGen C1708349, MONDO:0007648, OMIM 137215.

Submission:

Labcorp Genetics (formerly Invitae), Labcorp
Classification: Uncertain significance for Hereditary diffuse gastric adenocarcinoma. Last evaluated: 2022-09-06. Review status: criteria provided, single submitter. Criteria: Invitae Variant Classification Sherloc (09022015). Collection method: clinical testing. Allele origin: germline.
Comment: This sequence change falls in intron 7 of the CDH1 gene. It does not directly change the encoded amino acid sequence of the CDH1 protein. It affects a nucleotide within the consensus splice site. This variant is not present in population databases (gnomAD no frequency). This variant has not been reported in the literature in individuals affected with CDH1-related conditions. Variants that disrupt the consensus splice site are a relatively common cause of aberrant splicing (PMID: 17576681, 9536098). Algorithms developed to predict the effect of sequence changes on RNA splicing suggest that this variant is not likely to affect RNA splicing. In summary, the available evidence is currently insufficient to determine the role of this variant in disease. Therefore, it has been classified as a Variant of Uncertain Significance.

Literature cited by the submitters: PubMed 17576681; PubMed 9536098.